The following is an entry in ClinVar:

NM_032444.4(SLX4):c.2794C>G (p.Gln932Glu)

Gene: SLX4 (SLX4 structure-specific endonuclease subunit; minus strand). Cytogenetic location: 16p13.3.
Variant type: single nucleotide variant.
Coding change: c.2794C>G on transcript NM_032444.4 (MANE Select); coding-DNA position 2794, C replaced by G.
Protein change: p.Gln932Glu; replaces glutamine 932 with glutamic acid.
Molecular consequence: missense variant.
Genome position (GRCh38, 1-based): chr16:3,590,844, G>C on the plus strand (C>G on the coding strand, the complement: SLX4 is on the minus strand). VCF-style: chr16-3590844-G-C. GRCh37 (hg19) VCF-style: chr16-3640845-G-C.
Other names: short protein forms Q932E.
Identifiers: ClinVar variation 4703760 (VCV004703760.1).

ClinVar aggregate classification (germline): Uncertain significance (1 of 4 stars; one submission).

Conditions:
Fanconi anemia (FA). Also called: Fanconi's anemia. Identifiers: Orphanet 84, MedGen C0015625, MeSH D005199, MONDO:0019391.

Submission:

Labcorp Genetics (formerly Invitae), Labcorp
Classification: Uncertain significance for Fanconi anemia. Last evaluated: 2025-05-07. Review status: criteria provided, single submitter. Criteria: Invitae Variant Classification Sherloc (09022015). Collection method: clinical testing. Allele origin: germline.
Comment: This sequence change replaces glutamine, which is neutral and polar, with glutamic acid, which is acidic and polar, at codon 932 of the SLX4 protein (p.Gln932Glu). This variant is not present in population databases (gnomAD no frequency). This variant has not been reported in the literature in individuals affected with SLX4-related conditions. An algorithm developed to predict the effect of missense changes on protein structure and function outputs the following: PolyPhen-2: "Benign". The glutamic acid amino acid residue is found in multiple mammalian species, which suggests that this missense change does not adversely affect protein function. In summary, the available evidence is currently insufficient to determine the role of this variant in disease. Therefore, it has been classified as a Variant of Uncertain Significance.